The following is an entry in ClinVar:

ClinVar aggregate classification (germline): Uncertain significance (1 of 4 stars; one submission).

Allele frequency attached by ClinVar (database versions not stated): gnomAD below 0.00001 and 0.00001; TOPMed 0.00001; gnomAD exomes 0.00003 and 0.00006; ExAC 0.00009.

Submission:

Labcorp Genetics (formerly Invitae), Labcorp
Classification: Uncertain significance. Last evaluated: 2021-12-24. Review status: criteria provided, single submitter. Criteria: Invitae Variant Classification Sherloc (09022015). Collection method: clinical testing. Allele origin: germline.
Comment: In summary, the available evidence is currently insufficient to determine the role of this variant in disease. Therefore, it has been classified as a Variant of Uncertain Significance. Algorithms developed to predict the effect of missense changes on protein structure and function are either unavailable or do not agree on the potential impact of this missense change (SIFT: "Not Available"; PolyPhen-2: "Benign"; Align-GVGD: "Not Available"). ClinVar contains an entry for this variant (Variation ID: 1011131). This variant has not been reported in the literature in individuals affected with USH1G-related conditions. This variant is present in population databases (rs752079552, gnomAD 0.05%). This sequence change replaces histidine, which is basic and polar, with aspartic acid, which is acidic and polar, at codon 294 of the USH1G protein (p.His294Asp).

NM_173477.5(USH1G):c.880C>G (p.His294Asp)

Gene: USH1G (USH1 protein network component sans; minus strand). Cytogenetic location: 17q25.1.
Variant type: single nucleotide variant.
Coding change: c.880C>G on transcript NM_173477.5 (MANE Select); coding-DNA position 880, C replaced by G.
Protein change: p.His294Asp; replaces histidine 294 with aspartic acid.
Molecular consequence: missense variant.
Genome position (GRCh38, 1-based): chr17:74,919,956, G>C on the plus strand (C>G on the coding strand, the complement: USH1G is on the minus strand). VCF-style: chr17-74919956-G-C. GRCh37 (hg19) VCF-style: chr17-72916051-G-C.
Other names: c.571C>G, p.His191Asp (NM_001282489.3); short protein forms H191D, H294D.
Identifiers: ClinVar variation 1011131 (VCV001011131.8), dbSNP rs752079552, ClinGen allele CA8753979.